The following is an entry in ClinVar:

NM_000391.4(TPP1):c.1181A>T (p.Gln394Leu)

Gene: TPP1 (tripeptidyl peptidase 1; minus strand). Cytogenetic location: 11p15.4.
Variant type: single nucleotide variant.
Coding change: c.1181A>T on transcript NM_000391.4 (MANE Select); coding-DNA position 1181, A replaced by T.
Protein change: p.Gln394Leu; replaces glutamine 394 with leucine.
Molecular consequence: missense variant.
Genome position (GRCh38, 1-based): chr11:6,615,527, T>A on the plus strand (A>T on the coding strand, the complement: TPP1 is on the minus strand). VCF-style: chr11-6615527-T-A. GRCh37 (hg19) VCF-style: chr11-6636758-T-A.
Other names: short protein forms Q394L.
Identifiers: ClinVar variation 956723 (VCV000956723.9), dbSNP rs796053442, ClinGen allele CA379473079.
Genomic context (GRCh38, chr11:6,615,527, plus strand): 5'-TTGCTGAAGCCACCACCACTGATATAGTCAACAATTTCATTTGTGATGAGGAAAGGTTCC[T>A]GGAAGGATGTGCCTCCCACTGTGGTGACATAGGGGCTGAGGGGAGAAGACAGCATTTGGA-3'
Protein context (NP_000382.3, residues 384-404): YVTTVGGTSF[Gln394Leu]EPFLITNEIV

ClinVar aggregate classification (germline): Uncertain significance (1 of 4 stars; one submission).

Submission:

Labcorp Genetics (formerly Invitae), Labcorp
Classification: Uncertain significance. Last evaluated: 2019-09-07. Review status: criteria provided, single submitter. Criteria: Invitae Variant Classification Sherloc (09022015). Collection method: clinical testing. Allele origin: germline.
Comment: This sequence change replaces glutamine with leucine at codon 394 of the TPP1 protein (p.Gln394Leu). The glutamine residue is moderately conserved and there is a moderate physicochemical difference between glutamine and leucine. This variant is not present in population databases (ExAC no frequency). In summary, the available evidence is currently insufficient to determine the role of this variant in disease. Therefore, it has been classified as a Variant of Uncertain Significance. Algorithms developed to predict the effect of missense changes on protein structure and function (SIFT, PolyPhen-2, Align-GVGD) all suggest that this variant is likely to be tolerated, but these predictions have not been confirmed by published functional studies and their clinical significance is uncertain. This variant has not been reported in the literature in individuals with TPP1-related conditions.